The following is an entry in ClinVar:

ClinVar aggregate classification (germline): Conflicting classifications of pathogenicity. Review status: criteria provided, conflicting classifications (1 of 4 stars). 2 submissions from 2 submitters: Uncertain significance (1); Likely benign (1). Last evaluated 2025-04-29.

Conditions:
Hermansky-Pudlak syndrome 9 (HPS9). Identifiers: Orphanet 280663, Orphanet 79430, MedGen C3280026, MONDO:0013606, OMIM 614171.
Inborn genetic diseases. Identifiers: MedGen C0950123, MeSH D030342.

Allele frequency attached by ClinVar (database versions not stated): gnomAD exomes 0.00002 and 0.00008; TOPMed 0.00002; gnomAD 0.00003 and 0.00004; ExAC 0.00008; 1000 Genomes Project 30x 0.00016; 1000 Genomes Project 0.00020.
gnomAD v4.1: 33 of 1,614,190 alleles (0.002%); highest among the groups gnomAD compares: Admixed American, 0.027%; no homozygotes.

Submissions (2):

Ambry Genetics
Classification: Likely benign for Inborn genetic diseases. Last evaluated: 2025-04-29. Review status: criteria provided, single submitter. Criteria: Ambry Variant Classification Scheme 2023. Collection method: clinical testing. Allele origin: germline.

Labcorp Genetics (formerly Invitae), Labcorp
Classification: Uncertain significance for Hermansky-Pudlak syndrome 9. Last evaluated: 2021-08-31. Review status: criteria provided, single submitter. Criteria: Invitae Variant Classification Sherloc (09022015). Collection method: clinical testing. Allele origin: germline.
Comment: This sequence change replaces isoleucine with valine at codon 44 of the BLOC1S6 protein (p.Ile44Val). The isoleucine residue is weakly conserved and there is a small physicochemical difference between isoleucine and valine. This variant is present in population databases (rs564232908, ExAC 0.05%). This variant has not been reported in the literature in individuals affected with BLOC1S6-related conditions. Algorithms developed to predict the effect of missense changes on protein structure and function output the following: SIFT: "Tolerated"; PolyPhen-2: "Benign"; Align-GVGD: "Class C0". The valine amino acid residue is found in multiple mammalian species, which suggests that this missense change does not adversely affect protein function. In summary, the available evidence is currently insufficient to determine the role of this variant in disease. Therefore, it has been classified as a Variant of Uncertain Significance.

NM_012388.4(BLOC1S6):c.130A>G (p.Ile44Val)

Gene: BLOC1S6 (biogenesis of lysosomal organelles complex 1 subunit 6; plus strand). Cytogenetic location: 15q21.1.
Variant type: single nucleotide variant.
Coding change: c.130A>G on transcript NM_012388.4 (MANE Select); coding-DNA position 130, A replaced by G.
Protein change: p.Ile44Val; replaces isoleucine 44 with valine.
Molecular consequence: missense variant. On other transcripts: non-coding transcript variant (5).
Genome position (GRCh38, 1-based): chr15:45,592,182, A>G. VCF-style: chr15-45592182-A-G. GRCh37 (hg19) VCF-style: chr15-45884380-A-G.
Other names: c.145A>G, p.Ile49Val (NM_001311255.1, NM_001311256.1); c.130A>G (NM_012388.2); short protein forms I44V, I49V.
Identifiers: ClinVar variation 1060079 (VCV001060079.7), dbSNP rs564232908, ClinGen allele CA7544263.